The following is an entry in ClinVar:

ClinVar aggregate classification (germline): Uncertain significance (1 of 4 stars; one submission).

Submission:

Women's Health and Genetics/Laboratory Corporation of America, LabCorp
Classification: Uncertain significance. Last evaluated: 2022-10-20. Review status: criteria provided, single submitter. Criteria: LabCorp Variant Classification Summary - May 2015. Collection method: clinical testing. Allele origin: germline.
Comment: Variant summary: USH2A c.46G>A (p.Val16Ile) results in a conservative amino acid change in the encoded protein sequence. Five of five in-silico tools predict a benign effect of the variant on protein function. The variant was absent in 250404 control chromosomes. The available data on variant occurrences in the general population are insufficient to allow any conclusion about variant significance. To our knowledge, no occurrence of c.46G>A in individuals affected with Usher Syndrome and no experimental evidence demonstrating its impact on protein function have been reported. No clinical diagnostic laboratories have submitted clinical-significance assessments for this variant to ClinVar after 2014. Based on the evidence outlined above, the variant was classified as uncertain significance.

NM_206933.4(USH2A):c.46G>A (p.Val16Ile)

Gene: USH2A (usherin; minus strand). Cytogenetic location: 1q41.
Variant type: single nucleotide variant.
Coding change: c.46G>A on transcript NM_206933.4 (MANE Select); coding-DNA position 46, G replaced by A.
Protein change: p.Val16Ile; replaces valine 16 with isoleucine.
Molecular consequence: missense variant.
Genome position (GRCh38, 1-based): chr1:216,422,291, C>T on the plus strand (G>A on the coding strand, the complement: USH2A is on the minus strand). VCF-style: chr1-216422291-C-T. GRCh37 (hg19) VCF-style: chr1-216595633-C-T.
Other names: c.46G>A, p.Val16Ile (NM_007123.6); short protein forms V16I.
Identifiers: ClinVar variation 1723360 (VCV001723360.1), dbSNP rs750448122, ClinGen allele CA344905136.
Genomic context (GRCh38, chr1:216,422,291, plus strand): 5'-GACCTCGTGACTCAGTCAAGGATATTGAAGCAAAATAGGCAAAGATCAACATTTCAATGA[C>T]CTGAAACAAGAAGCCAGAGCCCAATGAAAGAACTGGGCAATTCATGTTTACAAAAAAGCA-3'
Protein context (NP_996816.3, residues 6-26): LSLGSGFLFQ[Val16Ile]IEMLIFAYFA